The following is an entry in ClinVar:

NM_000051.4(ATM):c.737A>G (p.Asn246Ser)

Gene: ATM (ATM serine/threonine kinase; plus strand). Cytogenetic location: 11q22.3.
Variant type: single nucleotide variant.
Coding change: c.737A>G on transcript NM_000051.4 (MANE Select); coding-DNA position 737, A replaced by G.
Protein change: p.Asn246Ser; replaces asparagine 246 with serine.
Molecular consequence: missense variant.
Genome position (GRCh38, 1-based): chr11:108,244,862, A>G. VCF-style: chr11-108244862-A-G. GRCh37 (hg19) VCF-style: chr11-108115589-A-G.
Other names: c.737A>G, p.Asn246Ser (NM_001351834.2); short protein forms N246S.
Identifiers: ClinVar variation 524424 (VCV000524424.29), dbSNP rs781023264, ClinGen allele CA6264676.

ClinVar aggregate classification (germline): Conflicting classifications of pathogenicity. Review status: criteria provided, conflicting classifications (1 of 4 stars). 9 submissions from 9 submitters: Uncertain significance (8); Likely benign (1). Last evaluated 2026-06-25.

Conditions:
Hereditary cancer-predisposing syndrome. Also called: Neoplastic Syndromes, Hereditary; Hereditary Cancer Syndrome; Hereditary neoplastic syndrome; Tumor predisposition. Identifiers: Orphanet 140162, MedGen C0027672, MeSH D009386, MONDO:0015356.
Familial cancer of breast. Also called: Hereditary breast cancer; hereditary breast carcinoma; BREAST CANCER, FAMILIAL. Identifiers: Orphanet 227535, MedGen C0346153, MONDO:0016419, OMIM 114480. Disease mechanism: loss of function.
Ataxia-telangiectasia syndrome (AT). Also called: Ataxia telangiectasia (A-T); Cerebello-oculocutaneous telangiectasia; Immunodeficiency with ataxia telangiectasia; Ataxia-telangiectasia, complementation group D; AT, COMPLEMENTATION GROUP C; ATAXIA-TELANGIECTASIA, COMPLEMENTATION GROUP A. Identifiers: Orphanet 100, MedGen C0004135, MONDO:0008840, OMIM 208900.

Allele frequency attached by ClinVar (database versions not stated): ExAC 0.00001; gnomAD exomes below 0.00001.
gnomAD v4.1: 10 of 1,613,892 alleles (0.00062%); highest among the groups gnomAD compares: East Asian, 0.0022%; no homozygotes.

Submissions (9):

Women's Health and Genetics/Laboratory Corporation of America, LabCorp
Classification: Uncertain significance. Last evaluated: 2026-06-25. Review status: criteria provided, single submitter. Criteria: LabCorp Variant Classification Summary - May 2015. Collection method: clinical testing. Allele origin: germline.
Comment: Variant summary: ATM c.737A>G (p.Asn246Ser) results in a conservative amino acid change in the encoded protein sequence. Algorithms developed to predict the effect of missense changes on protein structure and function are either unavailable or do not agree on the potential impact of this missense change. The variant allele was found at a frequency of 4e-06 in 251014 control chromosomes (gnomAD). The available data on variant occurrences in the general population are insufficient to allow any conclusion about variant significance. c.737A>G has been observed in individuals affected with breast cancer without strong evidence of causality (e.g. Rizzolo_2019, Dorling_2021, Gervas_2021). These reports do not provide unequivocal conclusions about association of the variant with disease. To our knowledge, no experimental evidence demonstrating an impact on protein function has been reported. The following publications have been ascertained in the context of this evaluation (PMID: 30613976, 33785725, 33471991). ClinVar contains an entry for this variant (Variation ID: 524424). Based on the evidence outlined above, the variant was classified as uncertain significance.

St. Jude Molecular Pathology, St. Jude Children's Research Hospital
Classification: Uncertain significance for Familial cancer of breast. Last evaluated: 2026-02-20. Review status: criteria provided, single submitter. Criteria: St. Jude Assertion Criteria 2020. Collection method: clinical testing. Allele origin: germline.
Comment: The ATM c.737A>G p.(Asn246Ser) missense change has a maximum subpopulation frequency of 0.003% in gnomAD v2.1.1. The in silico tool REVEL predic ts a benign effect on protein function, but to our knowledge this prediction has not been confirmed by functional studies. This variant has been reported in individuals with breast cancer as well (PMID: 33471991, 30613976, 33785725) as control individual s (PMID: 30303537, 30287823). To our knowledge, this variant has not been reported in individuals with ataxia telangiectasia. In summary, the evidence currently available is insufficient to determine the clinical significance of this variant. It has ther efore been classified as of uncertain significance.

Labcorp Genetics (formerly Invitae), Labcorp
Classification: Uncertain significance for Ataxia-telangiectasia syndrome. Last evaluated: 2025-11-05. Review status: criteria provided, single submitter. Criteria: Invitae Variant Classification Sherloc (09022015). Collection method: clinical testing. Allele origin: germline.
Comment: This sequence change replaces asparagine, which is neutral and polar, with serine, which is neutral and polar, at codon 246 of the ATM protein (p.Asn246Ser). This variant is present in population databases (rs781023264, gnomAD 0.003%). This missense change has been observed in individual(s) with early-onset breast cancer and/or male breast cancer (PMID: 30613976, 33785725). ClinVar contains an entry for this variant (Variation ID: 524424). Invitae Evidence Modeling of protein sequence and biophysical properties (such as structural, functional, and spatial information, amino acid conservation, physicochemical variation, residue mobility, and thermodynamic stability) indicates that this missense variant is not expected to disrupt ATM protein function with a negative predictive value of 95%. In summary, the available evidence is currently insufficient to determine the role of this variant in disease. Therefore, it has been classified as a Variant of Uncertain Significance.

Ambry Genetics
Classification: Likely benign for Hereditary cancer-predisposing syndrome. Last evaluated: 2024-03-21. Review status: criteria provided, single submitter. Criteria: Ambry Variant Classification Scheme 2023. Collection method: clinical testing. Allele origin: germline.

Baylor Genetics
Classification: Uncertain significance for Familial cancer of breast. Last evaluated: 2023-10-10. Review status: criteria provided, single submitter. Criteria: ACMG Guidelines, 2015. Collection method: clinical testing. Allele origin: unknown.

Revvity Omics, Revvity
Classification: Uncertain significance for Ataxia-telangiectasia syndrome. Last evaluated: 2022-10-26. Review status: criteria provided, single submitter. Criteria: ACMG Guidelines, 2015. Collection method: clinical testing. Allele origin: germline.

Color Diagnostics, LLC DBA Color Health
Classification: Uncertain significance for Hereditary cancer-predisposing syndrome. Last evaluated: 2022-06-14. Review status: criteria provided, single submitter. Criteria: ACMG Guidelines, 2015. Collection method: clinical testing. Allele origin: germline.
Comment: This missense variant replaces asparagine with serine at codon 246 of the ATM protein. Computational prediction suggests that this variant may not impact protein structure and function (internally defined REVEL score threshold <= 0.5, PMID: 27666373). To our knowledge, functional studies have not been reported for this variant. In a large international case-control study, this variant was reported in 3/60466 breast cancer cases and absent in 53461 controls (PMID: 33471991). This variant has been reported in an individual affected with early-onset breast cancer (PMID: 33785725). This variant has been identified in 1/251014 chromosomes in the general population by the Genome Aggregation Database (gnomAD). The available evidence is insufficient to determine the role of this variant in disease conclusively. Therefore, this variant is classified as a Variant of Uncertain Significance.

Sema4
Classification: Uncertain significance for Hereditary cancer-predisposing syndrome. Last evaluated: 2022-01-06. Review status: criteria provided, single submitter. Criteria: Sema4 Curation Guidelines. Collection method: curation. Allele origin: germline.
Comment: The ATM c.737A>G (p.N246S) variant has been reported in several individuals with breast cancer (PMID: 30613976, 33785725, 33471991, 30287823), as well as in a healthy people (PMID: 32980694). It was observed in 1/30610 chromosomes in the South Asian population in the large and broad cohorts of the Genome Aggregation Database (PMID: 32461654), and has been reported in ClinVar (Variation ID 524424). Functional studies have not been performed, and in silico predictions of the variant's effect on protein function are inconclusive. The evidence is insufficient to meet ACMG/AMP criteria for classifying the variant as benign or pathogenic. Thus, the clinical significance of this variant is currently uncertain.

GeneDx
Classification: Uncertain significance. Last evaluated: 2021-04-27. Review status: criteria provided, single submitter. Criteria: GeneDx Variant Classification Process June 2021. Collection method: clinical testing. Allele origin: germline. Affected: yes.
Comment: Not observed at a significant frequency in large population cohorts (Lek et al., 2016); In silico analysis supports that this missense variant does not alter protein structure/function; Identified in a patient with breast cancer (Gervas et al., 2021); This variant is associated with the following publications: (PMID: 33785725, 30287823)

Literature cited by the submitters: PubMed 30613976 (cited by 4 submitters); PubMed 33471991 (cited by 3 submitters); PubMed 33785725 (cited by 5 submitters); PubMed 29522266 (cited by Ambry Genetics); PubMed 30287823 (cited by Ambry Genetics and Sema4); PubMed 32980694 (cited by Sema4).